The following is an entry in ClinVar:

ClinVar aggregate classification (germline): Uncertain significance (1 of 4 stars; one submission).

Conditions:
Charcot-Marie-Tooth disease type 4. Also called: Charcot-Marie-Tooth disease, type IV; Charcot-Marie-Tooth, Type 4. Identifiers: Orphanet 64749, MedGen C4082197, MONDO:0018995.

Allele frequency attached by ClinVar (database versions not stated): gnomAD exomes below 0.00001.
gnomAD v4.1: 5 of 1,592,122 alleles (0.00031%); highest among the groups gnomAD compares: Non-Finnish European, 0.00043%; no homozygotes.

Submission:

Labcorp Genetics (formerly Invitae), Labcorp
Classification: Uncertain significance for Charcot-Marie-Tooth disease type 4. Last evaluated: 2022-01-14. Review status: criteria provided, single submitter. Criteria: Invitae Variant Classification Sherloc (09022015). Collection method: clinical testing. Allele origin: germline.
Comment: In summary, the available evidence is currently insufficient to determine the role of this variant in disease. Therefore, it has been classified as a Variant of Uncertain Significance. Algorithms developed to predict the effect of missense changes on protein structure and function are either unavailable or do not agree on the potential impact of this missense change (SIFT: "Deleterious"; PolyPhen-2: "Not Available"; Align-GVGD: "Class C65"). This variant has not been reported in the literature in individuals affected with FGD4-related conditions. This variant is not present in population databases (gnomAD no frequency). This sequence change replaces glutamic acid, which is acidic and polar, with glycine, which is neutral and non-polar, at codon 625 of the FGD4 protein (p.Glu625Gly).

NM_001370298.3(FGD4):c.2285A>G (p.Glu762Gly)

Gene: FGD4 (FYVE, RhoGEF and PH domain containing 4; plus strand). Cytogenetic location: 12p11.21.
Variant type: single nucleotide variant.
Coding change: c.2285A>G on transcript NM_001370298.3 (MANE Select); coding-DNA position 2285, A replaced by G.
Protein change: p.Glu762Gly; replaces glutamic acid 762 with glycine.
Molecular consequence: missense variant.
Genome position (GRCh38, 1-based): chr12:32,633,661, A>G. VCF-style: chr12-32633661-A-G. GRCh37 (hg19) VCF-style: chr12-32786595-A-G.
Other names: c.2129A>G, p.Glu710Gly (NM_001304481.2); c.1130A>G, p.Glu377Gly (NM_001304483.2); c.842A>G, p.Glu281Gly (NM_001304484.2); c.1595A>G, p.Glu532Gly (NM_001330373.2, NM_001330374.2, NM_001384130.1); c.1322A>G, p.Glu441Gly (NM_001370297.1); c.2285A>G, p.Glu762Gly (NM_001384126.1); c.1874A>G, p.Glu625Gly (NM_001384127.1, NM_001384128.1, NM_001385118.1 and 1 more transcripts); short protein forms E281G, E625G, E532G, E441G, E710G, E377G, E762G.
Identifiers: ClinVar variation 1411023 (VCV001411023.6), dbSNP rs139663812, ClinGen allele CA235242064.
Genomic context (GRCh38, chr12:32,633,661, plus strand): 5'-GTAAATTGAGCAAAGTTTGTAAAGACTGTTATCAAATCATAAGTGGATTCACAGACAGTG[A>G]AGAAAAGAAAAGAAAAGGAATTTTAGAGGTAAGAAATATTAAATATTGGATATCTTTTAG-3'
Protein context (NP_001357227.2, residues 752-772): YQIISGFTDS[Glu762Gly]EKKRKGILEI